The following is an entry in ClinVar:

ClinVar aggregate classification (germline): Likely benign (1 of 4 stars; one submission).

Allele frequency attached by ClinVar (database versions not stated): gnomAD exomes 0.00002; TOPMed 0.00002; gnomAD 0.00003; ExAC 0.00018.
gnomAD v4.1: 31 of 1,192,819 alleles (0.0026%); highest among the groups gnomAD compares: South Asian, 0.0092%; no homozygotes.

Submission:

CeGaT Center for Human Genetics Tuebingen
Classification: Likely benign. Last evaluated: 2022-05-01. Review status: criteria provided, single submitter. Criteria: CeGaT Center For Human Genetics Tuebingen Variant Classification Criteria Version 2. Collection method: clinical testing. Allele origin: germline. Affected: yes. Observed: 1 variant allele.
Comment: FAM3A: BP4

NM_021806.4(FAM3A):c.362G>A (p.Arg121Gln)

Gene: FAM3A (FAM3 metabolism regulating signaling molecule A; minus strand). Cytogenetic location: Xq28.
Variant type: single nucleotide variant.
Coding change: c.362G>A on transcript NM_021806.4 (MANE Select); coding-DNA position 362, G replaced by A.
Protein change: p.Arg121Gln; replaces arginine 121 with glutamine.
Molecular consequence: missense variant. On other transcripts: intron variant (1).
Genome position (GRCh38, 1-based): chrX:154,507,834, C>T on the plus strand (G>A on the coding strand, the complement: FAM3A is on the minus strand). VCF-style: chrX-154507834-C-T. GRCh37 (hg19) VCF-style: chrX-153736165-C-T.
Other names: c.362G>A, p.Arg121Gln (NM_001171132.3, NM_001282312.2); c.248G>A, p.Arg83Gln (NM_001171133.3); c.404G>A, p.Arg135Gln (NM_001282311.2); c.383G>A, p.Arg128Gln (NM_001363822.2); c.335-344G>A (NM_001171134.3); short protein forms R121Q, R128Q, R135Q, R83Q.
Identifiers: ClinVar variation 2661849 (VCV002661849.24), dbSNP rs781965439, ClinGen allele CA10565811.